The following is an entry in ClinVar:

NM_001040108.2(MLH3):c.2174A>G (p.Asn725Ser)

Gene: MLH3 (mutL homolog 3; minus strand). Cytogenetic location: 14q24.3.
Variant type: single nucleotide variant.
Coding change: c.2174A>G on transcript NM_001040108.2 (MANE Select); coding-DNA position 2174, A replaced by G.
Protein change: p.Asn725Ser; replaces asparagine 725 with serine.
Molecular consequence: missense variant.
Genome position (GRCh38, 1-based): chr14:75,047,482, T>C on the plus strand (A>G on the coding strand, the complement: MLH3 is on the minus strand). VCF-style: chr14-75047482-T-C. GRCh37 (hg19) VCF-style: chr14-75514185-T-C.
Other names: c.2174A>G, p.Asn725Ser (NM_014381.3); short protein forms N725S.
Identifiers: ClinVar variation 478024 (VCV000478024.14), dbSNP rs772538373, ClinGen allele CA7275744.

ClinVar aggregate classification (germline): Uncertain significance. Review status: criteria provided, multiple submitters, no conflicts (2 of 4 stars). 2 submissions from 2 submitters: Uncertain significance (2). Last evaluated 2025-12-01.

Conditions:
Colorectal cancer, hereditary nonpolyposis, type 7. Identifiers: Orphanet 144, MedGen C1858380, MONDO:0013725, OMIM 614385.

Allele frequency attached by ClinVar (database versions not stated): gnomAD 0.00001; gnomAD exomes 0.00001 and 0.00003; TOPMed 0.00002; ExAC 0.00003.
gnomAD v4.1: 11 of 1,613,992 alleles (0.00068%); highest among the groups gnomAD compares: Admixed American, 0.005%; no homozygotes.

Submissions (2):

Labcorp Genetics (formerly Invitae), Labcorp
Classification: Uncertain significance for Colorectal cancer, hereditary nonpolyposis, type 7. Last evaluated: 2025-12-01. Review status: criteria provided, single submitter. Criteria: Invitae Variant Classification Sherloc (09022015). Collection method: clinical testing. Allele origin: germline.
Comment: This sequence change replaces asparagine, which is neutral and polar, with serine, which is neutral and polar, at codon 725 of the MLH3 protein (p.Asn725Ser). This variant is present in population databases (rs772538373, gnomAD 0.01%). This variant has not been reported in the literature in individuals affected with MLH3-related conditions. ClinVar contains an entry for this variant (Variation ID: 478024). An algorithm developed to predict the effect of missense changes on protein structure and function outputs the following: PolyPhen-2: "Benign". The serine amino acid residue is found in multiple mammalian species, which suggests that this missense change does not adversely affect protein function. In summary, the available evidence is currently insufficient to determine the role of this variant in disease. Therefore, it has been classified as a Variant of Uncertain Significance.

Ambry Genetics
Classification: Uncertain significance. Last evaluated: 2025-02-21. Review status: criteria provided, single submitter. Criteria: Ambry Variant Classification Scheme 2023. Collection method: clinical testing. Allele origin: germline.
Comment: The p.N725S variant (also known as c.2174A>G), located in coding exon 1 of the MLH3 gene, results from an A to G substitution at nucleotide position 2174. The asparagine at codon 725 is replaced by serine, an amino acid with highly similar properties. This amino acid position is not well conserved in available vertebrate species. In addition, this alteration is predicted to be tolerated by in silico analysis. The evidence for this gene-disease relationship is limited; therefore, the clinical significance of this alteration is unclear.